The following is an entry in ClinVar:

NM_013275.6(ANKRD11):c.7567C>T (p.Arg2523Trp)

Gene: ANKRD11 (ankyrin repeat domain 11; minus strand). Cytogenetic location: 16q24.3.
Variant type: single nucleotide variant.
Coding change: c.7567C>T on transcript NM_013275.6 (MANE Select); coding-DNA position 7567, C replaced by T.
Protein change: p.Arg2523Trp; replaces arginine 2523 with tryptophan.
Molecular consequence: missense variant.
Genome position (GRCh38, 1-based): chr16:89,275,095, G>A on the plus strand (C>T on the coding strand, the complement: ANKRD11 is on the minus strand). VCF-style: chr16-89275095-G-A. GRCh37 (hg19) VCF-style: chr16-89341503-G-A.
Other names: c.7567C>T, p.Arg2523Trp (NM_001256182.2, NM_001256183.2); short protein forms R2523W.
Identifiers: ClinVar variation 3766064 (VCV003766064.2).

ClinVar aggregate classification (germline): Pathogenic/Likely pathogenic. Review status: criteria provided, multiple submitters, no conflicts (2 of 4 stars). 2 submissions from 2 submitters: Pathogenic (1); Likely pathogenic (1). Last evaluated 2024-08-25.

Conditions:
KBG syndrome (KBGS). Also called: ANKRD11-Related KBG Syndrome. Identifiers: Orphanet 2332, MedGen C0220687, MONDO:0007846, OMIM 148050.

Submissions (2):

GeneDx
Classification: Pathogenic. Last evaluated: 2024-08-25. Review status: criteria provided, single submitter. Criteria: GeneDx Variant Classification Process June 2021. Collection method: clinical testing. Allele origin: germline. Affected: yes.
Comment: Not observed at significant frequency in large population cohorts (gnomAD); Published functional studies reveal no affect on subcellular localization or transcriptional activity but a decrease of protein stability in vitro (PMID: 35833929); In silico analysis supports that this missense variant has a deleterious effect on protein structure/function; This variant is associated with the following publications: (PMID: 35833929, 33057194, 33917340, 35982159)

Department of Human Genetics, Hannover Medical School
Classification: Likely pathogenic for KBG syndrome. Last evaluated: 2022-07-25. Review status: criteria provided, single submitter. Criteria: ACMG Guidelines, 2015. Collection method: clinical testing. Allele origin: de novo. Inheritance: Autosomal dominant inheritance. Affected: yes.